The following is an entry in ClinVar:

NM_030912.3(TRIM8):c.1546C>G (p.Leu516Val)

Gene: TRIM8 (tripartite motif containing 8; plus strand). Cytogenetic location: 10q24.32.
Variant type: single nucleotide variant.
Coding change: c.1546C>G on transcript NM_030912.3 (MANE Select); coding-DNA position 1546, C replaced by G.
Protein change: p.Leu516Val; replaces leucine 516 with valine.
Molecular consequence: missense variant. On other transcripts: non-coding transcript variant (1).
Genome position (GRCh38, 1-based): chr10:102,657,244, C>G. VCF-style: chr10-102657244-C-G. GRCh37 (hg19) VCF-style: chr10-104417001-C-G.
Other names: c.1450C>G, p.Leu484Val (NM_001345950.1); short protein forms L484V, L516V.
Identifiers: ClinVar variation 3696010 (VCV003696010.2).

ClinVar aggregate classification (germline): Uncertain significance (1 of 4 stars; one submission).

Submission:

Labcorp Genetics (formerly Invitae), Labcorp
Classification: Uncertain significance. Last evaluated: 2024-05-13. Review status: criteria provided, single submitter. Criteria: Invitae Variant Classification Sherloc (09022015). Collection method: clinical testing. Allele origin: germline.
Comment: This sequence change replaces leucine, which is neutral and non-polar, with valine, which is neutral and non-polar, at codon 516 of the TRIM8 protein (p.Leu516Val). This variant is not present in population databases (gnomAD no frequency). This variant has not been reported in the literature in individuals affected with TRIM8-related conditions. An algorithm developed to predict the effect of missense changes on protein structure and function (PolyPhen-2) suggests that this variant is likely to be disruptive. In summary, the available evidence is currently insufficient to determine the role of this variant in disease. Therefore, it has been classified as a Variant of Uncertain Significance.